The following is an entry in ClinVar:

ClinVar aggregate classification (germline): Conflicting classifications of pathogenicity. Review status: criteria provided, conflicting classifications (1 of 4 stars). 6 submissions from 6 submitters: Uncertain significance (5); Likely benign (1). Last evaluated 2024-11-19.

Conditions:
Cardiomyopathy (CMYO). Also called: Cardiomyopathies. Identifiers: Orphanet 167848, MedGen C0878544, MONDO:0004994, HP:0001638. Inheritance: Various modes of inheritance.
Hypertrophic cardiomyopathy. Also called: HYPERTROPHIC MYOCARDIOPATHY. Identifiers: Orphanet 217569, MedGen C0007194, MeSH D002312, MONDO:0005045, HP:0001639.
Cardiovascular phenotype. Identifiers: MedGen CN230736.

Allele frequency attached by ClinVar (database versions not stated): TOPMed below 0.00001; gnomAD exomes 0.00004 and 0.00010; gnomAD 0.00005 and 0.00006; ExAC 0.00012.
gnomAD v4.1: 68 of 1,614,056 alleles (0.0042%); highest among the groups gnomAD compares: Admixed American, 0.0033%; 1 homozygote.

Submissions (6):

Labcorp Genetics (formerly Invitae), Labcorp
Classification: Uncertain significance for Hypertrophic cardiomyopathy. Last evaluated: 2024-11-19. Review status: criteria provided, single submitter. Criteria: Invitae Variant Classification Sherloc (09022015). Collection method: clinical testing. Allele origin: germline.
Comment: This sequence change replaces glutamic acid, which is acidic and polar, with glycine, which is neutral and non-polar, at codon 1039 of the MYH7 protein (p.Glu1039Gly). This variant is present in population databases (rs199573700, gnomAD 0.07%). This missense change has been observed in individual(s) with hypertrophic cardiomyopathy, primary myocardial fibrosis, and/or sudden cardiac death (PMID: 29915098, 31919335, 31983222, 35087879, 35626289, 37652022). ClinVar contains an entry for this variant (Variation ID: 426200). Invitae Evidence Modeling of protein sequence and biophysical properties (such as structural, functional, and spatial information, amino acid conservation, physicochemical variation, residue mobility, and thermodynamic stability) indicates that this missense variant is expected to disrupt MYH7 protein function with a positive predictive value of 95%. In summary, the available evidence is currently insufficient to determine the role of this variant in disease. Therefore, it has been classified as a Variant of Uncertain Significance.

Blueprint Genetics
Classification: Likely benign. Last evaluated: 2024-09-04. Review status: criteria provided, single submitter. Criteria: ACMG Guidelines, 2015. Collection method: clinical testing. Allele origin: germline.

All of Us Research Program, National Institutes of Health
Classification: Uncertain significance for Cardiomyopathy. Last evaluated: 2024-07-10. Review status: criteria provided, single submitter. Criteria: ACMG Guidelines, 2015. Collection method: clinical testing. Allele origin: germline. Inheritance: Autosomal dominant inheritance. Observed: 8 variant alleles, 8 heterozygotes.
Comment: This missense variant replaces glutamic acid with glycine at codon 1039 of the MYH7 protein. Computational prediction suggests that this variant may have a deleterious impact on protein structure and function (internally defined REVEL score threshold >= 0.7, PMID: 27666373). A functional study using patient-derived tissue has shown that this variant may not impact myosin conformation compared to wild type (PMID: 31983222); the clinical relevance of this observation is not known. This variant has been reported in one individual affected with hypertrophic cardiomyopathy (PMID: 31919335); this individual also carried a pathogenic truncating variant in the MYBPC3 gene. This variant has also been reported in 3 individuals affected with sudden cardiac death and primary myocardial fibrosis (PMID: 29915098, 35087879). This variant has been identified in 27/282848 chromosomes in the general population by the Genome Aggregation Database (gnomAD). The available evidence is insufficient to determine the role of this variant in disease conclusively. Therefore, this variant is classified as a Variant of Uncertain Significance.

This study involves interpretation of variants in research participants for the purpose of population health screening. Participant phenotype was not available at the time of variant classification. Additional details can be found in publication PMID: 35346344, PMCID: PMC8962531

Color Diagnostics, LLC DBA Color Health
Classification: Uncertain significance for Cardiomyopathy. Last evaluated: 2024-06-19. Review status: criteria provided, single submitter. Criteria: ACMG Guidelines, 2015. Collection method: clinical testing. Allele origin: germline.
Comment: This missense variant replaces glutamic acid with glycine at codon 1039 of the MYH7 protein. Computational prediction tools indicate that this variant has a deleterious impact on protein structure and function. A functional study using patient-derived tissue has shown that this variant may not impact myosin conformation compared to wild type (PMID: 31983222); the clinical relevance of this observation is not known. This variant has been reported in individuals affected with hypertrophic cardiomyopathy (PMID: 31919335, 35626289); one of these individuals also carried a pathogenic truncating variant in the MYBPC3 gene. This variant has also been reported in three individuals affected with sudden cardiac death and primary myocardial fibrosis (PMID: 29915098, 35087879). This variant has been identified in 27/282848 chromosomes in the general population by the Genome Aggregation Database (gnomAD). The available evidence is insufficient to determine the role of this variant in disease conclusively. Therefore, this variant is classified as a Variant of Uncertain Significance.

Ambry Genetics
Classification: Uncertain significance for Cardiovascular phenotype. Last evaluated: 2023-06-05. Review status: criteria provided, single submitter. Criteria: Ambry Variant Classification Scheme 2023. Collection method: clinical testing. Allele origin: germline.
Comment: The p.E1039G variant (also known as c.3116A>G), located in coding exon 23 of the MYH7 gene, results from an A to G substitution at nucleotide position 3116. The glutamic acid at codon 1039 is replaced by glycine, an amino acid with similar properties. This alteration has been reported in sudden cardiac death cohorts and hypertrophic cardiomyopathy cohorts; however, clinical details were limited and additional alterations in other cardiac-related genes were identified in some cases (Junttila MJ et al. Circulation, 2018 Jun;137:2716-2726; Lipari M et al. Pol Arch Intern Med, 2020 Feb;130:89-99; Toepfer CN et al. Circulation, 2020 Mar;141:828-842; V&auml;h&auml;talo JH et al. Front Cardiovasc Med, 2021 Jan;8:755062; Sepp R et al. Diagnostics (Basel), 2022 May;12:[ePub ahead of print]). This amino acid position is highly conserved in available vertebrate species. In addition, this alteration is predicted to be deleterious by in silico analysis. Since supporting evidence is limited at this time, the clinical significance of this alteration remains unclear.

GeneDx
Classification: Uncertain significance. Last evaluated: 2020-11-05. Review status: criteria provided, single submitter. Criteria: GeneDx Variant Classification Process June 2021. Collection method: clinical testing. Allele origin: germline. Affected: yes.
Comment: In silico analysis supports that this missense variant has a deleterious effect on protein structure/function; Reported in ClinVar as a variant of uncertain significance (ClinVar Variant ID# 426200; Landrum et al., 2016); This variant is associated with the following publications: (PMID: 31919335)

Literature cited by the submitters: PubMed 29915098 (cited by 4 submitters); PubMed 31919335 (cited by 4 submitters); PubMed 31983222 (cited by 4 submitters); PubMed 35087879 (cited by 4 submitters); PubMed 35626289 (cited by 3 submitters); PubMed 37652022 (cited by Labcorp Genetics (formerly Invitae), Labcorp).

NM_000257.4(MYH7):c.3116A>G (p.Glu1039Gly)

Gene: MYH7 (myosin heavy chain 7; minus strand). Cytogenetic location: 14q11.2.
Variant type: single nucleotide variant.
Coding change: c.3116A>G on transcript NM_000257.4 (MANE Select); coding-DNA position 3116, A replaced by G.
Protein change: p.Glu1039Gly; replaces glutamic acid 1039 with glycine.
Molecular consequence: missense variant.
Genome position (GRCh38, 1-based): chr14:23,422,309, T>C on the plus strand (A>G on the coding strand, the complement: MYH7 is on the minus strand). VCF-style: chr14-23422309-T-C. GRCh37 (hg19) VCF-style: chr14-23891518-T-C.
Other names: c.3116A>G (LRG_384t1); short protein forms E1039G.
Identifiers: ClinVar variation 426200 (VCV000426200.20), dbSNP rs199573700, ClinGen allele CA035756.
Genomic context (GRCh38, chr14:23,422,309, plus strand): 5'-AGGTCGCCCTCCAGCTTCCGCTTCGCTCGCTCCAGGTCCATGCGCACCTTCTTCTCTTGC[T>C]CCAGGGATCCTTCCAGCTGGTAGAGAGAAGGAGCCAGGCCCAGTGAGGCAAAGCATCCTG-3'
Protein context (NP_000248.2, residues 1029-1049): QQVDDLEGSL[Glu1039Gly]QEKKVRMDLE